The following is an entry in ClinVar:

ClinVar aggregate classification (germline): Likely benign. Review status: criteria provided, multiple submitters, no conflicts (2 of 4 stars). 2 submissions from 2 submitters: Likely benign (2). Last evaluated 2025-12-19.

Allele frequency attached by ClinVar (database versions not stated): ESP Exome Variant Server 0.00015.
gnomAD v4.1: 199 of 1,612,718 alleles (0.012%); highest among the groups gnomAD compares: Admixed American, 0.02%; no homozygotes.

Submissions (3):

Labcorp Genetics (formerly Invitae), Labcorp
Classification: Likely benign. Last evaluated: 2025-12-19. Review status: criteria provided, single submitter. Criteria: Invitae Variant Classification Sherloc (09022015). Collection method: clinical testing. Allele origin: germline.

GeneDx
Classification: Likely benign. Last evaluated: 2017-09-01. Review status: criteria provided, single submitter. Criteria: GeneDx Variant Classification (06012015). Collection method: clinical testing. Allele origin: germline. Affected: yes.
Comment: This variant is considered likely benign or benign based on one or more of the following criteria: it is a conservative change, it occurs at a poorly conserved position in the protein, it is predicted to be benign by multiple in silico algorithms, and/or has population frequency not consistent with disease.

Dr. Peter K. Rogan Lab, Western University
No classification provided (evidence only). Condition: Uterine corpus endometrial carcinoma. Review status: no classification provided. Collection method: in vitro. Allele origin: not applicable. Functional consequence: retained intron. Not counted in ClinVar's aggregate classification.

NM_025150.5(TARS2):c.1719-16C>A

Gene: TARS2 (threonyl-tRNA synthetase 2, mitochondrial; plus strand). Cytogenetic location: 1q21.2.
Variant type: single nucleotide variant.
Coding change: c.1719-16C>A on transcript NM_025150.5 (MANE Select); 16 bases into the intron before coding-DNA position 1719, C replaced by A.
Molecular consequence: intron variant.
Genome position (GRCh38, 1-based): chr1:150,504,616, C>A. VCF-style: chr1-150504616-C-A. GRCh37 (hg19) VCF-style: chr1-150477092-C-A.
Other names: c.1473-16C>A (NM_001271895.2); c.1329-16C>A (NM_001271896.2).
Identifiers: ClinVar variation 511599 (VCV000511599.9), dbSNP rs113876911, ClinGen allele CA1077128.